The following is an entry in ClinVar:

ClinVar aggregate classification (germline): Conflicting classifications of pathogenicity. Review status: criteria provided, conflicting classifications (1 of 4 stars). 3 submissions from 3 submitters: Uncertain significance (1); Likely benign (1). 1 of the submissions does not count toward it. Last evaluated 2026-09-18.

Conditions:
KLHDC8B-related disorder. Also called: KLHDC8B-related condition.
Classic Hodgkin lymphoma (CHL). Also called: Hodgkin lymphoma. Identifiers: Orphanet 391, MedGen C0019829, MONDO:0009348, OMIM 236000, HP:0012189.

Allele frequency attached by ClinVar (database versions not stated): 1000 Genomes Project 0.00300; 1000 Genomes Project 30x 0.00328; TOPMed 0.00446; gnomAD 0.00471 and 0.00487; gnomAD exomes 0.02206.
gnomAD v4.1: 721 of 152,510 alleles (0.47%); highest among the groups gnomAD compares: Non-Finnish European, 0.81%; 2 homozygotes.

Submissions (3):

PreventionGenetics, part of Exact Sciences
Classification: Uncertain significance for KLHDC8B-related condition. Last evaluated: 2026-09-18. Review status: criteria provided, single submitter. Criteria: ACMG Guidelines, 2015. Collection method: clinical testing. Allele origin: germline.
Comment: The KLHDC8B c.-158C>T variant is located in the 5' untranslated region. This variant, described as 28C>T using alternate nomenclature, has been reported in the heterozygous state in at least three families affected with familial classic Hodgkin lymphoma, including eight affected individuals and five asymptomatic individuals (Figure 3A Salipante et al. 2009. PubMed ID: 19706467). Functional studies in vitro indicate the c.-158C>T variant reduces luciferase fusion gene expression by approximately half (Figure 3D Salipante et al. 2009. PubMed ID: 19706467). This variant is reported in 0.80% of alleles in individuals of European (Non-Finnish) descent in gnomAD. Although we suspect that this variant may be pathogenic, at this time, the clinical significance of this variant is uncertain due to the absence of conclusive functional and genetic evidence.

CeGaT Center for Human Genetics Tuebingen
Classification: Likely benign. Last evaluated: 2025-02-01. Review status: criteria provided, single submitter. Criteria: CeGaT Center For Human Genetics Tuebingen Variant Classification Criteria Version 2. Collection method: clinical testing. Allele origin: germline. Affected: yes. Observed: 1 variant allele.
Comment: KLHDC8B: BS2

OMIM
Classification: Pathogenic for HODGKIN LYMPHOMA. Last evaluated: 2009-09-01. Review status: no assertion criteria provided. Collection method: literature only. Allele origin: germline. Not counted in ClinVar's aggregate classification.

Literature cited by the submitters: PubMed 19706467 (cited by OMIM).

NM_173546.3(KLHDC8B):c.-158C>T

Gene: KLHDC8B (kelch domain containing 8B; plus strand). Cytogenetic location: 3p21.31.
Variant type: single nucleotide variant.
Coding change: c.-158C>T on transcript NM_173546.3 (MANE Select); 158 bases upstream of the start codon, C replaced by T.
Molecular consequence: 5 prime UTR variant.
Genome position (GRCh38, 1-based): chr3:49,171,662, C>T. VCF-style: chr3-49171662-C-T. GRCh37 (hg19) VCF-style: chr3-49209095-C-T.
Other names: KLHDC8B, 5-PRIME UTR, +28C-T.
Identifiers: ClinVar variation 273 (VCV000000273.15), dbSNP rs387906223, ClinGen allele CA114098.